The following is an entry in ClinVar:

ClinVar aggregate classification (germline): Pathogenic (1 of 4 stars; one submission).

Conditions:
Progressive sclerosing poliodystrophy (MTDPS4A). Also called: ALPERS PROGRESSIVE INFANTILE POLIODYSTROPHY; NEURONAL DEGENERATION OF CHILDHOOD WITH LIVER DISEASE, PROGRESSIVE; Mitochondrial DNA depletion syndrome 4A (Alpers type); Mitochondrial DNA Depletion Syndrome 4A; Alpers-Huttenlocher Syndrome (AHS); Alpers Syndrome. Identifiers: Orphanet 726, MedGen C0205710, MONDO:0008758, OMIM 203700.

Submission:

Labcorp Genetics (formerly Invitae), Labcorp
Classification: Pathogenic for Progressive sclerosing poliodystrophy. Last evaluated: 2023-11-24. Review status: criteria provided, single submitter. Criteria: Invitae Variant Classification Sherloc (09022015). Collection method: clinical testing. Allele origin: germline.
Comment: This sequence change creates a premature translational stop signal (p.Asp695Glufs*3) in the POLG gene. It is expected to result in an absent or disrupted protein product. Loss-of-function variants in POLG are known to be pathogenic (PMID: 18546365). This variant is not present in population databases (gnomAD no frequency). This variant has not been reported in the literature in individuals affected with POLG-related conditions. For these reasons, this variant has been classified as Pathogenic.

Literature cited by the submitters: PubMed 18546365.

NM_002693.3(POLG):c.2085_2098del (p.Asp695fs)

Gene: POLG (DNA polymerase gamma, catalytic subunit; minus strand). Cytogenetic location: 15q26.1.
Variant type: Deletion.
Coding change: c.2085_2098del on transcript NM_002693.3 (MANE Select); coding-DNA positions 2085 to 2098, 14 bases deleted (TTACTTAGAAGTGG).
Protein change: p.Asp695fs; shifts the reading frame from aspartic acid 695.
Molecular consequence: frameshift variant.
Genome position (GRCh38, 1-based): chr15:89,323,874-89,323,887, CCACTTCTAAGTAA deleted on the plus strand (TTACTTAGAAGTGG on the coding strand, the reverse complement: POLG is on the minus strand). VCF-style (leftmost placement, unchanged base first): chr15-89323873-TCCACTTCTAAGTAA-T. GRCh37 (hg19) VCF-style: chr15-89867104-TCCACTTCTAAGTAA-T.
Other names: c.2085_2098del, p.Asp695fs (NM_001126131.2); short protein forms D695fs.
Identifiers: ClinVar variation 2698314 (VCV002698314.3), dbSNP rs2509232352, ClinGen allele CA2697549348.